The following is an entry in ClinVar:

NM_001031689.3(PLAA):c.150T>C (p.Ser50=)

Gene: PLAA (phospholipase A2 activating protein; minus strand). Cytogenetic location: 9p21.2.
Variant type: single nucleotide variant.
Coding change: c.150T>C on transcript NM_001031689.3 (MANE Select); coding-DNA position 150, T replaced by C.
Protein change: p.Ser50=; no amino-acid change (serine 50 retained).
Molecular consequence: synonymous variant.
Genome position (GRCh38, 1-based): chr9:26,935,206, A>G on the plus strand (T>C on the coding strand, the complement: PLAA is on the minus strand). VCF-style: chr9-26935206-A-G. GRCh37 (hg19) VCF-style: chr9-26935204-A-G.
Other names: c.150T>C, p.Ser50= (NM_001321546.2); c.150T>C (NM_001031689.2).
Identifiers: ClinVar variation 1365478 (VCV001365478.5), dbSNP rs756103623, ClinGen allele CA5014707.

ClinVar aggregate classification (germline): Conflicting classifications of pathogenicity. Review status: criteria provided, conflicting classifications (1 of 4 stars). 2 submissions from 2 submitters: Uncertain significance (1); Likely benign (1). Last evaluated 2025-01-18.

Conditions:
Inborn genetic diseases. Identifiers: MedGen C0950123, MeSH D030342.

Allele frequency attached by ClinVar (database versions not stated): gnomAD exomes 0.00002; TOPMed 0.00002; ExAC 0.00003; gnomAD 0.00003.
gnomAD v4.1: 46 of 1,544,844 alleles (0.003%); highest among the groups gnomAD compares: Admixed American, 0.016%; no homozygotes.

Submissions (2):

Ambry Genetics
Classification: Likely benign for Inborn genetic diseases. Last evaluated: 2025-01-18. Review status: criteria provided, single submitter. Criteria: Ambry Variant Classification Scheme 2023. Collection method: clinical testing. Allele origin: germline.

Labcorp Genetics (formerly Invitae), Labcorp
Classification: Uncertain significance. Last evaluated: 2024-12-09. Review status: criteria provided, single submitter. Criteria: Invitae Variant Classification Sherloc (09022015). Collection method: clinical testing. Allele origin: germline.
Comment: This sequence change affects codon 50 of the PLAA mRNA. It is a 'silent' change, meaning that it does not change the encoded amino acid sequence of the PLAA protein. It affects a nucleotide within the consensus splice site. This variant is present in population databases (rs756103623, gnomAD 0.005%). This variant has not been reported in the literature in individuals affected with PLAA-related conditions. ClinVar contains an entry for this variant (Variation ID: 1365478). Algorithms developed to predict the effect of sequence changes on RNA splicing suggest that this variant is not likely to affect RNA splicing. In summary, the available evidence is currently insufficient to determine the role of this variant in disease. Therefore, it has been classified as a Variant of Uncertain Significance.